The following is an entry in ClinVar:

NM_198578.4(LRRK2):c.2429T>C (p.Ile810Thr)

Gene: LRRK2 (leucine rich repeat kinase 2; plus strand). Cytogenetic location: 12q12.
Variant type: single nucleotide variant.
Coding change: c.2429T>C on transcript NM_198578.4 (MANE Select); coding-DNA position 2429, T replaced by C.
Protein change: p.Ile810Thr; replaces isoleucine 810 with threonine.
Molecular consequence: missense variant.
Genome position (GRCh38, 1-based): chr12:40,284,062, T>C. VCF-style: chr12-40284062-T-C. GRCh37 (hg19) VCF-style: chr12-40677864-T-C.
Other names: short protein forms I810T.
Identifiers: ClinVar variation 2489994 (VCV002489994.2), dbSNP rs1212183660, ClinGen allele CA384407129.

ClinVar aggregate classification (germline): Uncertain significance (1 of 4 stars; one submission).

Conditions:
Inborn genetic diseases. Identifiers: MedGen C0950123, MeSH D030342.

Allele frequency attached by ClinVar (database versions not stated): gnomAD exomes below 0.00001; TOPMed below 0.00001.

Submission:

Ambry Genetics
Classification: Uncertain significance for Inborn genetic diseases. Last evaluated: 2023-01-20. Review status: criteria provided, single submitter. Criteria: Ambry Variant Classification Scheme 2023. Collection method: clinical testing. Allele origin: germline.
Comment: The p.I810T variant (also known as c.2429T>C), located in coding exon 19 of the LRRK2 gene, results from a T to C substitution at nucleotide position 2429. The isoleucine at codon 810 is replaced by threonine, an amino acid with similar properties. This amino acid position is conserved. In addition, this alteration is predicted to be tolerated by in silico analysis. Since supporting evidence is limited at this time, the clinical significance of this alteration remains unclear.